The following is an entry in ClinVar:

NM_001384732.1(CPLANE1):c.9688G>A (p.Ala3230Thr)

Gene: CPLANE1 (ciliogenesis and planar polarity effector complex subunit 1; minus strand). Cytogenetic location: 5p13.2.
Variant type: single nucleotide variant.
Coding change: c.9688G>A on transcript NM_001384732.1 (MANE Select); coding-DNA position 9688, G replaced by A.
Protein change: p.Ala3230Thr; replaces alanine 3230 with threonine.
Molecular consequence: missense variant.
Genome position (GRCh38, 1-based): chr5:37,107,670, C>T on the plus strand (G>A on the coding strand, the complement: CPLANE1 is on the minus strand). VCF-style: chr5-37107670-C-T. GRCh37 (hg19) VCF-style: chr5-37107772-C-T.
Other names: c.9526G>A, p.Ala3176Thr (NM_023073.4); short protein forms A3176T, A3230T.
Identifiers: ClinVar variation 2033232 (VCV002033232.4), dbSNP rs1421414177, ClinGen allele CA359488446.

ClinVar aggregate classification (germline): Uncertain significance (1 of 4 stars; one submission).

Allele frequency attached by ClinVar (database versions not stated): gnomAD exomes 0.00001.
gnomAD v4.1: 6 of 1,611,382 alleles (0.00037%); highest among the groups gnomAD compares: Non-Finnish European, 0.00051%; no homozygotes.

Submission:

Labcorp Genetics (formerly Invitae), Labcorp
Classification: Uncertain significance. Last evaluated: 2023-03-26. Review status: criteria provided, single submitter. Criteria: Invitae Variant Classification Sherloc (09022015). Collection method: clinical testing. Allele origin: germline.
Comment: In summary, the available evidence is currently insufficient to determine the role of this variant in disease. Therefore, it has been classified as a Variant of Uncertain Significance. Advanced modeling of protein sequence and biophysical properties (such as structural, functional, and spatial information, amino acid conservation, physicochemical variation, residue mobility, and thermodynamic stability) performed at Invitae indicates that this missense variant is not expected to disrupt CPLANE1 protein function. ClinVar contains an entry for this variant (Variation ID: 2033232). This variant has not been reported in the literature in individuals affected with CPLANE1-related conditions. This variant is not present in population databases (gnomAD no frequency). This sequence change replaces alanine, which is neutral and non-polar, with threonine, which is neutral and polar, at codon 3176 of the CPLANE1 protein (p.Ala3176Thr).